The following is an entry in ClinVar:

NM_012414.4(RAB3GAP2):c.1097C>T (p.Pro366Leu)

Gene: RAB3GAP2 (RAB3 GTPase activating non-catalytic protein subunit 2; minus strand). Cytogenetic location: 1q41.
Variant type: single nucleotide variant.
Coding change: c.1097C>T on transcript NM_012414.4 (MANE Select); coding-DNA position 1097, C replaced by T.
Protein change: p.Pro366Leu; replaces proline 366 with leucine.
Molecular consequence: missense variant.
Genome position (GRCh38, 1-based): chr1:220,195,111, G>A on the plus strand (C>T on the coding strand, the complement: RAB3GAP2 is on the minus strand). VCF-style: chr1-220195111-G-A. GRCh37 (hg19) VCF-style: chr1-220368453-G-A.
Other names: short protein forms P366L.
Identifiers: ClinVar variation 1413228 (VCV001413228.5), dbSNP rs988513386, ClinGen allele CA37564080.

ClinVar aggregate classification (germline): Uncertain significance (1 of 4 stars; one submission).

Conditions:
Martsolf syndrome (MARTS). Also called: Congenital cataract with intellectual disability and hypogonadotropic hypogonadism syndrome. Identifiers: Orphanet 1387, MedGen C0796037, MONDO:0023910.
Warburg micro syndrome 2 (WARBM2). Also called: MICRO SYNDROME 2. Identifiers: Orphanet 2510, MedGen C3280214, MONDO:0013641, OMIM 614225.

Allele frequency attached by ClinVar (database versions not stated): TOPMed below 0.00001; gnomAD 0.00001; gnomAD exomes 0.00001.
gnomAD v4.1: 17 of 1,613,946 alleles (0.0011%); highest among the groups gnomAD compares: South Asian, 0.0033%; no homozygotes.

Submission:

Labcorp Genetics (formerly Invitae), Labcorp
Classification: Uncertain significance for Martsolf syndrome; Warburg micro syndrome 2. Last evaluated: 2024-10-07. Review status: criteria provided, single submitter. Criteria: Invitae Variant Classification Sherloc (09022015). Collection method: clinical testing. Allele origin: germline.
Comment: This sequence change replaces proline, which is neutral and non-polar, with leucine, which is neutral and non-polar, at codon 366 of the RAB3GAP2 protein (p.Pro366Leu). This variant is present in population databases (no rsID available, gnomAD 0.0009%). This variant has not been reported in the literature in individuals affected with RAB3GAP2-related conditions. ClinVar contains an entry for this variant (Variation ID: 1413228). Invitae Evidence Modeling of protein sequence and biophysical properties (such as structural, functional, and spatial information, amino acid conservation, physicochemical variation, residue mobility, and thermodynamic stability) indicates that this missense variant is expected to disrupt RAB3GAP2 protein function with a positive predictive value of 80%. In summary, the available evidence is currently insufficient to determine the role of this variant in disease. Therefore, it has been classified as a Variant of Uncertain Significance.